The following is an entry in ClinVar:

NM_014639.4(SKIC3):c.3960C>T (p.Tyr1320=)

Gene: SKIC3 (SKI3 subunit of superkiller complex; minus strand). Cytogenetic location: 5q15.
Variant type: single nucleotide variant.
Coding change: c.3960C>T on transcript NM_014639.4 (MANE Select); coding-DNA position 3960, C replaced by T.
Protein change: p.Tyr1320=; no amino-acid change (tyrosine 1320 retained).
Molecular consequence: synonymous variant.
Genome position (GRCh38, 1-based): chr5:95,484,817, G>A on the plus strand (C>T on the coding strand, the complement: SKIC3 is on the minus strand). VCF-style: chr5-95484817-G-A. GRCh37 (hg19) VCF-style: chr5-94820521-G-A.
Identifiers: ClinVar variation 2732355 (VCV002732355.4), dbSNP rs200883313, ClinGen allele CA122824618.

ClinVar aggregate classification (germline): Likely benign. Review status: criteria provided, single submitter (1 of 4 stars). 2 submissions from 2 submitters: Likely benign (1). 1 of the submissions does not count toward it. Last evaluated 2024-12-31.

Conditions:
SKIC3-related disorder. Also called: SKIC3-related condition.

Allele frequency attached by ClinVar (database versions not stated): gnomAD exomes below 0.00001; TOPMed 0.00005; gnomAD 0.00007; 1000 Genomes Project 30x 0.00016; 1000 Genomes Project 0.00020.
gnomAD v4.1: 16 of 1,614,062 alleles (0.00099%); highest among the groups gnomAD compares: African/African-American, 0.02%; no homozygotes.

Submissions (2):

Labcorp Genetics (formerly Invitae), Labcorp
Classification: Likely benign. Last evaluated: 2024-12-31. Review status: criteria provided, single submitter. Criteria: Invitae Variant Classification Sherloc (09022015). Collection method: clinical testing. Allele origin: germline.

PreventionGenetics, part of Exact Sciences
Classification: Likely benign for SKIC3-related condition. Last evaluated: 2019-06-11. Review status: no assertion criteria provided. Collection method: clinical testing. Allele origin: germline. Not counted in ClinVar's aggregate classification.
Comment: This variant is classified as likely benign based on ACMG/AMP sequence variant interpretation guidelines (Richards et al. 2015 PMID: 25741868, with internal and published modifications).